The following is an entry in ClinVar:

ClinVar aggregate classification (germline): Uncertain significance (1 of 4 stars; one submission).

Conditions:
Hereditary cancer-predisposing syndrome. Also called: Hereditary Cancer Syndrome; Tumor predisposition; Neoplastic Syndromes, Hereditary; Hereditary neoplastic syndrome. Identifiers: Orphanet 140162, MedGen C0027672, MeSH D009386, MONDO:0015356.

Submission:

Labcorp Genetics (formerly Invitae), Labcorp
Classification: Uncertain significance for Hereditary cancer-predisposing syndrome. Last evaluated: 2019-03-26. Review status: criteria provided, single submitter. Criteria: Invitae Variant Classification Sherloc (09022015). Collection method: clinical testing. Allele origin: germline.
Comment: In summary, the available evidence is currently insufficient to determine the role of this variant in disease. Therefore, it has been classified as a Variant of Uncertain Significance. Algorithms developed to predict the effect of missense changes on protein structure and function (SIFT, PolyPhen-2, Align-GVGD) all suggest that this variant is likely to be disruptive, but these predictions have not been confirmed by published functional studies and their clinical significance is uncertain. This variant has not been reported in the literature in individuals with RAD50-related conditions. This variant is not present in population databases (ExAC no frequency). This sequence change replaces aspartic acid with histidine at codon 137 of the RAD50 protein (p.Asp137His). The aspartic acid residue is highly conserved and there is a moderate physicochemical difference between aspartic acid and histidine.

NM_005732.4(RAD50):c.409G>C (p.Asp137His)

Gene: RAD50 (RAD50 double strand break repair protein; plus strand). Cytogenetic location: 5q31.1.
Variant type: single nucleotide variant.
Coding change: c.409G>C on transcript NM_005732.4 (MANE Select); coding-DNA position 409, G replaced by C.
Protein change: p.Asp137His; replaces aspartic acid 137 with histidine.
Molecular consequence: missense variant.
Genome position (GRCh38, 1-based): chr5:132,579,360, G>C. VCF-style: chr5-132579360-G-C. GRCh37 (hg19) VCF-style: chr5-131915052-G-C.
Other names: short protein forms D137H.
Identifiers: ClinVar variation 864414 (VCV000864414.10), dbSNP rs1750460545, ClinGen allele CA360933690.